The following is an entry in ClinVar:

NM_001130438.3(SPTAN1):c.2764G>A (p.Glu922Lys)

Gene: SPTAN1 (spectrin alpha, non-erythrocytic 1; plus strand). Cytogenetic location: 9q34.11.
Variant type: single nucleotide variant.
Coding change: c.2764G>A on transcript NM_001130438.3 (MANE Select); coding-DNA position 2764, G replaced by A.
Protein change: p.Glu922Lys; replaces glutamic acid 922 with lysine.
Molecular consequence: missense variant.
Genome position (GRCh38, 1-based): chr9:128,585,951, G>A. VCF-style: chr9-128585951-G-A. GRCh37 (hg19) VCF-style: chr9-131348230-G-A.
Other names: c.2764G>A, p.Glu922Lys (NM_001195532.2, NM_001363759.2, NM_001363765.2 and 5 more transcripts); c.2800G>A, p.Glu934Lys (NM_001375312.2, NM_001375318.1); short protein forms E922K, E934K.
Identifiers: ClinVar variation 1484950 (VCV001484950.9), dbSNP rs2131196507, ClinGen allele CA375058600.
Genomic context (GRCh38, chr9:128,585,951, plus strand): 5'-GCTGAATCCTGGATGCGGGAGAAGGAACCCATTGTGGGCAGCACTGACTATGGCAAGGAC[G>A]AAGACTCTGCTGAGGTAACCAGGCGTGGGAAGCGTCTCACCTGCCAGGGAAGTGGAACAG-3'
Protein context (NP_001123910.1, residues 912-932): IVGSTDYGKD[Glu922Lys]DSAEALLKKH

ClinVar aggregate classification (germline): Uncertain significance (1 of 4 stars; one submission).

Conditions:
Early-infantile DEE. Also called: Early infantile epileptic encephalopathy with suppression bursts; Early infantile epileptic encephalopathy; Ohtahara syndrome. Identifiers: Orphanet 1934, MedGen C0393706, MONDO:0800491.

Submission:

Labcorp Genetics (formerly Invitae), Labcorp
Classification: Uncertain significance for Early-infantile DEE. Last evaluated: 2022-02-05. Review status: criteria provided, single submitter. Criteria: Invitae Variant Classification Sherloc (09022015). Collection method: clinical testing. Allele origin: germline.
Comment: In summary, the available evidence is currently insufficient to determine the role of this variant in disease. Therefore, it has been classified as a Variant of Uncertain Significance. Algorithms developed to predict the effect of missense changes on protein structure and function (SIFT, PolyPhen-2, Align-GVGD) all suggest that this variant is likely to be disruptive. This variant has not been reported in the literature in individuals affected with SPTAN1-related conditions. This variant is not present in population databases (gnomAD no frequency). This sequence change replaces glutamic acid, which is acidic and polar, with lysine, which is basic and polar, at codon 922 of the SPTAN1 protein (p.Glu922Lys).